The following is an entry in ClinVar:

ClinVar aggregate classification (germline): Pathogenic (1 of 4 stars; one submission).

Submission:

Labcorp Genetics (formerly Invitae), Labcorp
Classification: Pathogenic. Last evaluated: 2025-08-28. Review status: criteria provided, single submitter. Criteria: Invitae Variant Classification Sherloc (09022015). Collection method: clinical testing. Allele origin: germline.
Comment: This sequence change creates a premature translational stop signal (p.Arg160Serfs*20) in the CREB3L3 gene. It is expected to result in an absent or disrupted protein product. Loss-of-function variants in CREB3L3 are known to be pathogenic (PMID: 21666694, 26427795). This variant is present in population databases (rs776187420, gnomAD 0.003%). This variant has not been reported in the literature in individuals affected with CREB3L3-related conditions. For these reasons, this variant has been classified as Pathogenic.

Literature cited by the submitters: PubMed 21666694; PubMed 26427795.

NM_032607.3(CREB3L3):c.478_481del (p.Arg160fs)

Gene: CREB3L3 (cAMP responsive element binding protein 3 like 3; plus strand). Cytogenetic location: 19p13.3.
Variant type: Microsatellite.
Coding change: c.478_481del on transcript NM_032607.3 (MANE Select); coding-DNA positions 478 to 481, 4 bases deleted (AGGA; older notation c.478_481delAGGA).
Protein change: p.Arg160fs; shifts the reading frame from arginine 160.
Molecular consequence: frameshift variant.
Genome position (GRCh38, 1-based): chr19:4,159,684-4,159,687, AGGA deleted; deleting any 4 consecutive bases within chr19:4,159,680-4,159,687 gives the same sequence; the c. name uses the placement nearest the transcript's 3' end. VCF-style (leftmost placement, unchanged base first): chr19-4159679-GAGGA-G. GRCh37 (hg19) VCF-style: chr19-4159676-GAGGA-G.
Other names: c.475_478del, p.Arg159fs (NM_001271995.2); c.478_481del, p.Arg160fs (NM_001271996.2, NM_001271997.2); short protein forms R160fs, R159fs.
Identifiers: ClinVar variation 4777182 (VCV004777182.1).